The following is an entry in ClinVar:

ClinVar aggregate classification (germline): Uncertain significance (1 of 4 stars; one submission).

Conditions:
Hereditary cancer-predisposing syndrome. Also called: Neoplastic Syndromes, Hereditary; Hereditary Cancer Syndrome; Tumor predisposition; Hereditary neoplastic syndrome. Identifiers: Orphanet 140162, MedGen C0027672, MeSH D009386, MONDO:0015356.

Submission:

Labcorp Genetics (formerly Invitae), Labcorp
Classification: Uncertain significance for Hereditary cancer-predisposing syndrome. Last evaluated: 2022-10-13. Review status: criteria provided, single submitter. Criteria: Invitae Variant Classification Sherloc (09022015). Collection method: clinical testing. Allele origin: germline.
Comment: This sequence change replaces aspartic acid, which is acidic and polar, with valine, which is neutral and non-polar, at codon 478 of the RAD50 protein (p.Asp478Val). This variant is not present in population databases (gnomAD no frequency). This variant has not been reported in the literature in individuals affected with RAD50-related conditions. Advanced modeling of protein sequence and biophysical properties (such as structural, functional, and spatial information, amino acid conservation, physicochemical variation, residue mobility, and thermodynamic stability) performed at Invitae indicates that this missense variant is not expected to disrupt RAD50 protein function. In summary, the available evidence is currently insufficient to determine the role of this variant in disease. Therefore, it has been classified as a Variant of Uncertain Significance.

NM_005732.4(RAD50):c.1433A>T (p.Asp478Val)

Gene: RAD50 (RAD50 double strand break repair protein; plus strand). Cytogenetic location: 5q31.1.
Variant type: single nucleotide variant.
Coding change: c.1433A>T on transcript NM_005732.4 (MANE Select); coding-DNA position 1433, A replaced by T.
Protein change: p.Asp478Val; replaces aspartic acid 478 with valine.
Molecular consequence: missense variant.
Genome position (GRCh38, 1-based): chr5:132,589,818, A>T. VCF-style: chr5-132589818-A-T. GRCh37 (hg19) VCF-style: chr5-131925510-A-T.
Other names: short protein forms D478V.
Identifiers: ClinVar variation 2037657 (VCV002037657.4), dbSNP rs777145962, ClinGen allele CA360944884.